The following is an entry in ClinVar:

NM_000823.4(GHRHR):c.675_676del (p.Tyr226fs)

Gene: GHRHR (growth hormone releasing hormone receptor; plus strand). Cytogenetic location: 7p14.3.
Variant type: Deletion.
Coding change: c.675_676del on transcript NM_000823.4 (MANE Select); coding-DNA positions 675 to 676, 2 bases deleted (CT; older notation c.675_676delCT).
Protein change: p.Tyr226fs; shifts the reading frame from tyrosine 226.
Molecular consequence: frameshift variant.
Genome position (GRCh38, 1-based): chr7:30,974,062-30,974,063, CT deleted; deleting any 2 consecutive bases within chr7:30,974,061-30,974,063 gives the same sequence; the c. name uses the placement nearest the transcript's 3' end. VCF-style (leftmost placement, unchanged base first): chr7-30974060-GTC-G. GRCh37 (hg19) VCF-style: chr7-31013675-GTC-G.
Other names: short protein forms Y226fs.
Identifiers: ClinVar variation 4725915 (VCV004725915.1).

ClinVar aggregate classification (germline): Pathogenic (1 of 4 stars; one submission).

Submission:

Labcorp Genetics (formerly Invitae), Labcorp
Classification: Pathogenic. Last evaluated: 2025-09-04. Review status: criteria provided, single submitter. Criteria: Invitae Variant Classification Sherloc (09022015). Collection method: clinical testing. Allele origin: germline.
Comment: This sequence change creates a premature translational stop signal (p.Tyr226Profs*160) in the GHRHR gene. While this is not anticipated to result in nonsense mediated decay, it is expected to disrupt the last 198 amino acid(s) of the GHRHR protein. This variant is not present in population databases (gnomAD no frequency). This variant has not been reported in the literature in individuals affected with GHRHR-related conditions. This variant disrupts a region of the GHRHR protein in which other variant(s) (p.Leu364Phefs*21) have been determined to be pathogenic (PMID: 11380500, 31231873). This suggests that this is a clinically significant region of the protein, and that variants that disrupt it are likely to be disease-causing. For these reasons, this variant has been classified as Pathogenic.

Literature cited by the submitters: PubMed 11380500; PubMed 31231873.